The following is an entry in ClinVar:

NM_000038.6(APC):c.136-3085T>A

Gene: APC (APC regulator of WNT signaling pathway; plus strand). Cytogenetic location: 5q22.2.
Variant type: single nucleotide variant.
Coding change: c.136-3085T>A on transcript NM_000038.6 (MANE Select); 3085 bases into the intron before coding-DNA position 136, T replaced by A.
Molecular consequence: intron variant.
Genome position (GRCh38, 1-based): chr5:112,763,241, T>A. VCF-style: chr5-112763241-T-A. GRCh37 (hg19) VCF-style: chr5-112098938-T-A.
Other names: c.136-3085T>A (NM_001354895.2, NM_001127510.3, NM_001354896.2 and 2 more transcripts); c.166-3085T>A (NM_001354897.2, NM_001354902.2, NM_001127511.3); c.61-3085T>A (NM_001354898.2, NM_001354904.2); c.-900-3085T>A (NM_001354906.2); c.-42-3085T>A (NM_001354900.2, NM_001354901.2, NM_001354905.2).
Identifiers: ClinVar variation 82846 (VCV000082846.2), dbSNP rs9647582, ClinGen allele CA004707.

ClinVar aggregate classification (germline): other (0 of 4 stars; one submission).

Conditions:
Familial colorectal cancer. Identifiers: MedGen CN280943, MONDO:0023113. Disease mechanism: loss of function.

Allele frequency attached by ClinVar (database versions not stated): gnomAD 0.38749 and 0.40059; TOPMed 0.40527; 1000 Genomes Project 30x 0.43254; 1000 Genomes Project 0.43790.
gnomAD v4.1: 61,050 of 151,950 alleles (40%); highest among the groups gnomAD compares: East Asian, 67%; 14,785 homozygotes.

Submission:

Systems Biology Platform Zhejiang California International NanoSystems Institute
Classification: other for Familial colorectal cancer. Review status: no assertion criteria provided. Collection method: not provided. Allele origin: unknown.
ClinVar note: Converted during submission from cancer to other.